The following is an entry in ClinVar:

ClinVar aggregate classification (germline): Conflicting classifications of pathogenicity. Review status: criteria provided, conflicting classifications (1 of 4 stars). 3 submissions from 3 submitters: Uncertain significance (2); Likely benign (1). Last evaluated 2024-06-07.

Conditions:
COG7 congenital disorder of glycosylation (CDG2E). Also called: CONGENITAL DISORDER OF GLYCOSYLATION, TYPE IIe; CDG IIe. Identifiers: Orphanet 79333, MedGen C2931010, MONDO:0012118, OMIM 608779.
Inborn genetic diseases. Identifiers: MedGen C0950123, MeSH D030342.

Allele frequency attached by ClinVar (database versions not stated): TOPMed below 0.00001; gnomAD exomes 0.00001 and 0.00002; ExAC 0.00002.
gnomAD v4.1: 16 of 1,526,306 alleles (0.001%); highest among the groups gnomAD compares: East Asian, 0.0022%; no homozygotes.

Submissions (3):

Ambry Genetics
Classification: Likely benign for Inborn genetic diseases. Last evaluated: 2024-06-07. Review status: criteria provided, single submitter. Criteria: Ambry Variant Classification Scheme 2023. Collection method: clinical testing. Allele origin: germline.

Labcorp Genetics (formerly Invitae), Labcorp
Classification: Uncertain significance for COG7 congenital disorder of glycosylation. Last evaluated: 2022-05-31. Review status: criteria provided, single submitter. Criteria: Invitae Variant Classification Sherloc (09022015). Collection method: clinical testing. Allele origin: germline.
Comment: In summary, the available evidence is currently insufficient to determine the role of this variant in disease. Therefore, it has been classified as a Variant of Uncertain Significance. Algorithms developed to predict the effect of missense changes on protein structure and function output the following: SIFT: "Tolerated"; PolyPhen-2: "Benign"; Align-GVGD: "Class C0". The valine amino acid residue is found in multiple mammalian species, which suggests that this missense change does not adversely affect protein function. ClinVar contains an entry for this variant (Variation ID: 318475). This variant has not been reported in the literature in individuals affected with COG7-related conditions. This variant is present in population databases (rs751036976, gnomAD 0.01%). This sequence change replaces isoleucine, which is neutral and non-polar, with valine, which is neutral and non-polar, at codon 469 of the COG7 protein (p.Ile469Val).

Illumina Laboratory Services, Illumina
Classification: Uncertain significance for COG7 congenital disorder of glycosylation. Last evaluated: 2018-01-12. Review status: criteria provided, single submitter. Criteria: ICSL Variant Classification Criteria 13 December 2019. Collection method: clinical testing. Allele origin: germline.

NM_153603.4(COG7):c.1405A>G (p.Ile469Val)

Gene: COG7 (component of oligomeric golgi complex 7; minus strand). Cytogenetic location: 16p12.2.
Variant type: single nucleotide variant.
Coding change: c.1405A>G on transcript NM_153603.4 (MANE Select); coding-DNA position 1405, A replaced by G.
Protein change: p.Ile469Val; replaces isoleucine 469 with valine.
Molecular consequence: missense variant.
Genome position (GRCh38, 1-based): chr16:23,413,452, T>C on the plus strand (A>G on the coding strand, the complement: COG7 is on the minus strand). VCF-style: chr16-23413452-T-C. GRCh37 (hg19) VCF-style: chr16-23424773-T-C.
Other names: short protein forms I469V.
Identifiers: ClinVar variation 318475 (VCV000318475.9), dbSNP rs751036976, ClinGen allele CA7961002.